The following is an entry in ClinVar:

NM_020762.4(SRGAP1):c.427-4A>T

Gene: SRGAP1 (SLIT-ROBO Rho GTPase activating protein 1; plus strand). Cytogenetic location: 12q14.2.
Variant type: single nucleotide variant.
Coding change: c.427-4A>T on transcript NM_020762.4 (MANE Select); 4 bases into the intron before coding-DNA position 427, A replaced by T.
Molecular consequence: intron variant.
Genome position (GRCh38, 1-based): chr12:64,016,946, A>T. VCF-style: chr12-64016946-A-T. GRCh37 (hg19) VCF-style: chr12-64410726-A-T.
Other names: c.427-4A>T (NM_001346201.2).
Identifiers: ClinVar variation 3057491 (VCV003057491.2), dbSNP rs755668158, ClinGen allele CA6666397.

ClinVar aggregate classification (germline): Likely benign (0 of 4 stars; one submission).

Conditions:
SRGAP1-related disorder. Also called: SRGAP1-related condition.

Allele frequency attached by ClinVar (database versions not stated): ExAC 0.00004; gnomAD 0.00005; TOPMed 0.00009.
gnomAD v4.1: 43 of 1,480,298 alleles (0.0029%); highest among the groups gnomAD compares: Admixed American, 0.079%; no homozygotes.

Submission:

PreventionGenetics, part of Exact Sciences
Classification: Likely benign for SRGAP1-related condition. Last evaluated: 2019-04-08. Review status: no assertion criteria provided. Collection method: clinical testing. Allele origin: germline.
Comment: This variant is classified as likely benign based on ACMG/AMP sequence variant interpretation guidelines (Richards et al. 2015 PMID: 25741868, with internal and published modifications).